The following is an entry in ClinVar:

ClinVar aggregate classification (germline): Uncertain significance. Review status: criteria provided, multiple submitters, no conflicts (2 of 4 stars). 2 submissions from 2 submitters: Uncertain significance (2). Last evaluated 2025-06-03.

Submissions (2):

GeneDx
Classification: Uncertain significance. Last evaluated: 2025-06-03. Review status: criteria provided, single submitter. Criteria: GeneDx Variant Classification Process June 2021. Collection method: clinical testing. Allele origin: germline. Affected: yes.
Comment: Not observed at significant frequency in large population cohorts (gnomAD); In silico analysis supports that this missense variant has a deleterious effect on protein structure/function; This variant is associated with the following publications: (PMID: 28825729, Barabanshikova2025[CaseReport], 36813958, 25670082, 35982159, 33057194)

Foulkes Cancer Genetics LDI, Lady Davis Institute for Medical Research
Classification: Uncertain significance. Last evaluated: 2019-07-01. Review status: criteria provided, single submitter. Criteria: ACMG Guidelines, 2015. Collection method: curation. Allele origin: unknown. Affected: yes. Observed: 3 variant alleles.
Comment: ACMG criteria met: PM1, PM2, BP1

Literature cited by the submitters: PubMed 25670082 (cited by Foulkes Cancer Genetics LDI, Lady Davis Institute for Medical Research); PubMed 28825729 (cited by Foulkes Cancer Genetics LDI, Lady Davis Institute for Medical Research).

NM_177438.3(DICER1):c.3008G>A (p.Arg1003Gln)

Gene: DICER1 (dicer 1, ribonuclease III; minus strand). Cytogenetic location: 14q32.13.
Variant type: single nucleotide variant.
Coding change: c.3008G>A on transcript NM_177438.3 (MANE Select); coding-DNA position 3008, G replaced by A.
Protein change: p.Arg1003Gln; replaces arginine 1003 with glutamine.
Molecular consequence: missense variant.
Genome position (GRCh38, 1-based): chr14:95,105,763, C>T on the plus strand (G>A on the coding strand, the complement: DICER1 is on the minus strand). VCF-style: chr14-95105763-C-T. GRCh37 (hg19) VCF-style: chr14-95572100-C-T.
Other names: c.3008G>A, p.Arg1003Gln (NM_001195573.1, NM_001271282.3, NM_001291628.2 and 1 more transcripts); short protein forms R1003Q.
Identifiers: ClinVar variation 933104 (VCV000933104.3), dbSNP rs1891361918, ClinGen allele CA390878519.